The following is an entry in ClinVar:

NM_021120.4(DLG3):c.2448A>T (p.Lys816Asn)

Gene: DLG3 (discs large MAGUK scaffold protein 3; plus strand). Cytogenetic location: Xq13.1.
Variant type: single nucleotide variant.
Coding change: c.2448A>T on transcript NM_021120.4 (MANE Select); coding-DNA position 2448, A replaced by T.
Protein change: p.Lys816Asn; replaces lysine 816 with asparagine.
Molecular consequence: missense variant.
Genome position (GRCh38, 1-based): chrX:70,502,263, A>T. VCF-style: chrX-70502263-A-T. GRCh37 (hg19) VCF-style: chrX-69722113-A-T.
Other names: c.1095A>T, p.Lys365Asn (NM_001166278.2); c.1533A>T, p.Lys511Asn (NM_020730.3); short protein forms K365N, K511N, K816N.
Identifiers: ClinVar variation 4685143 (VCV004685143.1).

ClinVar aggregate classification (germline): Uncertain significance (1 of 4 stars; one submission).

Submission:

GeneDx
Classification: Uncertain significance. Last evaluated: 2025-06-27. Review status: criteria provided, single submitter. Criteria: GeneDx Variant Classification Process June 2021. Collection method: clinical testing. Allele origin: germline. Affected: yes.
Comment: Not observed at significant frequency in large population cohorts (gnomAD); In silico analysis supports that this missense variant has a deleterious effect on protein structure/function; Has not been previously published as pathogenic or benign to our knowledge